The following is an entry in ClinVar:

ClinVar aggregate classification (germline): Pathogenic. Review status: reviewed by expert panel (3 of 4 stars). 15 submissions from 15 submitters: Pathogenic (1). 14 of the submissions do not count toward it. Last evaluated 2016-09-08.

Conditions:
Breast-ovarian cancer, familial, susceptibility to, 1 (BROVCA1). Also called: OVARIAN CANCER, SUSCEPTIBILITY TO; BRCA1 Hereditary Breast and Ovarian Cancer. Identifiers: Orphanet 145, MedGen C2676676, MONDO:0011450, OMIM 604370. Disease mechanism: loss of function.
Pancreatic cancer, susceptibility to, 4. Identifiers: Orphanet 1333, MedGen C3280442, MONDO:0013685, OMIM 614320.
Fanconi anemia, complementation group S (FANCS). Identifiers: MedGen C4554406, MONDO:0054748, OMIM 617883.
Hereditary cancer-predisposing syndrome. Also called: Tumor predisposition; Neoplastic Syndromes, Hereditary; Hereditary Cancer Syndrome; Hereditary neoplastic syndrome. Identifiers: Orphanet 140162, MedGen C0027672, MeSH D009386, MONDO:0015356.
Hereditary breast ovarian cancer syndrome. Also called: Hereditary breast and ovarian cancer syndrome (HBOC); Hereditary breast and ovarian cancer syndrome; Hereditary breast and ovarian cancer; Hereditary breast and/or ovarian cancer syndrome; Breast and ovarian cancer; BRCA1- and BRCA2-Associated Hereditary Breast and Ovarian Cancer. Identifiers: Orphanet 145, MedGen C0677776, MeSH D061325, MONDO:0003582. Disease mechanism: loss of function.

Submissions (15):

Evidence-based Network for the Interpretation of Germline Mutant Alleles (ENIGMA)
Classification: Pathogenic for Breast-ovarian cancer, familial, susceptibility to, 1. Last evaluated: 2016-09-08. Review status: reviewed by expert panel. Criteria: ENIGMA BRCA1/2 Classification Criteria (2015). Collection method: curation. Allele origin: germline.
Comment: Variant allele predicted to encode a truncated non-functional protein.

Labcorp Genetics (formerly Invitae), Labcorp
Classification: Pathogenic for Hereditary breast ovarian cancer syndrome. Last evaluated: 2026-01-31. Review status: criteria provided, single submitter. Criteria: Invitae Variant Classification Sherloc (09022015). Collection method: clinical testing. Allele origin: germline. Not counted in ClinVar's aggregate classification.
Comment: This sequence change creates a premature translational stop signal (p.Asp936Serfs*63) in the BRCA1 gene. It is expected to result in an absent or disrupted protein product. Loss-of-function variants in BRCA1 are known to be pathogenic (PMID: 20104584). This variant is not present in population databases (gnomAD no frequency). This premature translational stop signal has been observed in individual(s) with breast and ovarian cancer (PMID: 9333265, 9699640, 22722201). This variant is also known as 2925del4. ClinVar contains an entry for this variant (Variation ID: 37491). For these reasons, this variant has been classified as Pathogenic.

Women's Health and Genetics/Laboratory Corporation of America, LabCorp
Classification: Pathogenic for Hereditary breast ovarian cancer syndrome. Last evaluated: 2025-11-04. Review status: criteria provided, single submitter. Criteria: LabCorp Variant Classification Summary - May 2015. Collection method: clinical testing. Allele origin: germline. Not counted in ClinVar's aggregate classification.
Comment: Variant summary: BRCA1 c.2806_2809delGATA (p.Asp936SerfsX63) results in a premature termination codon, predicted to cause a truncation of the encoded protein or absence of the protein due to nonsense mediated decay, which are commonly known mechanisms for disease. Truncations downstream of this position have been classified as pathogenic by our laboratory (c.2864C>A, p.Ser955X; c.2868delT, p.Gln957fsX43; c.2934T>G, p.Tyr978X). The variant was absent in 251214 control chromosomes. c.2806_2809delGATA has been observed in multiple individuals affected with Hereditary Breast And Ovarian Cancer Syndrome ( (Judkins 2005, Weitzel 2005, Vaca-Paniagua 2012, Rhei 1998, Shattuck-Eidens 1997,Villarreal-Garza 2015). These data indicate that the variant is very likely to be associated with disease. To our knowledge, no experimental evidence demonstrating an impact on protein function has been reported. The following publications have been ascertained in the context of this evaluation (PMID: 16267036, 9699640, 9333265, 22655046, 25236687, 16030099). ClinVar contains an entry for this variant (Variation ID: 37491). Based on the evidence outlined above, the variant was classified as pathogenic.

Ambry Genetics
Classification: Pathogenic for Hereditary cancer-predisposing syndrome. Last evaluated: 2025-03-04. Review status: criteria provided, single submitter. Criteria: Ambry Variant Classification Scheme 2023. Collection method: clinical testing. Allele origin: germline. Not counted in ClinVar's aggregate classification.
Comment: The c.2806_2809delGATA pathogenic mutation, located in coding exon 9 of the BRCA1 gene, results from a deletion of 4 nucleotides at nucleotide positions 2806 to 2809, causing a translational frameshift with a predicted alternate stop codon (p.D936Sfs*63). This alteration has been reported in multiple individuals diagnosed with breast and/or ovarian cancer (Shattuck-Eidens D et al. JAMA 1997 Oct;278:1242-50; Rhei E et al. Cancer Res. 1998 Aug;58:3193-6; Weitzel JN et al Cancer Epidemiol. Biomarkers Prev. 2005 Jul;14:1666-71; Porchia, LM et al. J. Carcinogene. Mutagene. 2015 June;6:228; Villarreal-Garza C et al. Cancer 2015 Feb;121:372-8; Deng M et al. Int J Cancer, 2019 09;145:1517-1528). Of note, this alteration is also designated as 2925del4 in published literature. This variant is considered to be rare based on population cohorts in the Genome Aggregation Database (gnomAD). In addition to the clinical data presented in the literature, this alteration is expected to result in loss of function by premature protein truncation or nonsense-mediated mRNA decay. As such, this alteration is interpreted as a disease-causing mutation.

Quest Diagnostics Nichols Institute San Juan Capistrano
Classification: Pathogenic. Last evaluated: 2025-01-16. Review status: criteria provided, single submitter. Criteria: Quest Diagnostics criteria. Collection method: clinical testing. Allele origin: unknown. Not counted in ClinVar's aggregate classification.
Comment: The BRCA1 c.2806_2809del (p.Asp936Serfs*63) variant (also known as 2925del4 or c.2806_2809delGATA) alters the translational reading frame of the BRCA1 mRNA and causes the premature termination of BRCA1 protein synthesis. This variant has been reported in the published literature in individuals/families affected with breast/ovarian cancer (PMIDs: 9333265 (1997), 16030099 (2005), 25236687 (2015), 30720863 (2019), 31454914 (2019)). This variant has not been reported in large, multi-ethnic general populations (Genome Aggregation Database). Based on the available information, this variant is classified as pathogenic.

Fulgent Genetics
Classification: Pathogenic for Breast-ovarian cancer, familial, susceptibility to, 1; Pancreatic cancer, susceptibility to, 4; Fanconi anemia, complementation group S. Last evaluated: 2024-05-29. Review status: criteria provided, single submitter. Criteria: ACMG Guidelines, 2015. Collection method: clinical testing. Allele origin: germline. Not counted in ClinVar's aggregate classification.

Baylor Genetics
Classification: Pathogenic for Breast-ovarian cancer, familial, susceptibility to, 1. Last evaluated: 2024-03-04. Review status: criteria provided, single submitter. Criteria: ACMG Guidelines, 2015. Collection method: clinical testing. Allele origin: unknown. Not counted in ClinVar's aggregate classification.

Color Diagnostics, LLC DBA Color Health
Classification: Pathogenic for Hereditary cancer-predisposing syndrome. Last evaluated: 2020-01-15. Review status: criteria provided, single submitter. Criteria: ACMG Guidelines, 2015. Collection method: clinical testing. Allele origin: germline. Not counted in ClinVar's aggregate classification.
Comment: This variant deletes 4 nucleotides in exon 10 of the BRCA1 gene, creating a frameshift and premature translation stop signal. This variant is expected to result in an absent or non-functional protein product. This variant has not been identified in the general population by the Genome Aggregation Database (gnomAD). Loss of BRCA1 function is a known mechanism of disease. Based on the available evidence, this variant is classified as Pathogenic.

GeneDx
Classification: Pathogenic. Last evaluated: 2019-10-07. Review status: criteria provided, single submitter. Criteria: GeneDx Variant Classification Process June 2021. Collection method: clinical testing. Allele origin: germline. Affected: yes. Not counted in ClinVar's aggregate classification.
Comment: Frameshift variant predicted to result in protein truncation or nonsense mediated decay in a gene for which loss-of-function is a known mechanism of disease; Observed in individuals with history consistent with pathogenic variants in this gene (Shattuck-Eidens 1997, Rhei 1998, Weitzel 2005, Vaca-Paniagua 2012, Villarreal-Garza 2015); Truncating variants in this gene are considered pathogenic by a well-established clinical consortium and/or database; Not observed in large population cohorts (Lek 2016); This variant is associated with the following publications: (PMID: 31454914, 28127413, 25371446, 25236687, 16267036, 22655046, 22722201, 16030099, 9699640, 9333265, 30720863)

Institute for Biomarker Research, Medical Diagnostic Laboratories, L.L.C.
Classification: Pathogenic for Hereditary cancer-predisposing syndrome. Last evaluated: 2018-01-16. Review status: criteria provided, single submitter. Criteria: ACMG Guidelines, 2015. Collection method: clinical testing. Allele origin: germline. Not counted in ClinVar's aggregate classification.

Consortium of Investigators of Modifiers of BRCA1/2 (CIMBA), c/o University of Cambridge
Classification: Pathogenic for Breast-ovarian cancer, familial, susceptibility to, 1. Last evaluated: 2015-10-02. Review status: criteria provided, single submitter. Criteria: CIMBA Mutation Classification guidelines May 2016. Collection method: clinical testing. Allele origin: germline. Not counted in ClinVar's aggregate classification.

BRCAlab, Lund University
Classification: Pathogenic for Breast-ovarian cancer, familial, susceptibility to, 1. Last evaluated: 2020-03-02. Review status: no assertion criteria provided. Collection method: clinical testing. Allele origin: germline. Affected: yes. Not counted in ClinVar's aggregate classification.

Sharing Clinical Reports Project (SCRP)
Classification: Pathogenic for Breast-ovarian cancer, familial 1. Last evaluated: 2014-04-09. Review status: no assertion criteria provided. Collection method: clinical testing. Allele origin: germline. Not counted in ClinVar's aggregate classification.

Research Molecular Genetics Laboratory, Women's College Hospital, University of Toronto
Classification: Pathogenic for Hereditary breast ovarian cancer syndrome. Last evaluated: 2014-01-31. Review status: no assertion criteria provided. Collection method: research. Allele origin: germline. Affected: yes. Study: The Canadian Open Genetics Repository (COGR). Not counted in ClinVar's aggregate classification.

Breast Cancer Information Core (BIC) (BRCA1)
Classification: Pathogenic for Breast-ovarian cancer, familial 1. Last evaluated: 2002-05-29. Review status: no assertion criteria provided. Collection method: clinical testing. Allele origin: germline. Affected: yes. Observed: 3 variant alleles. Not counted in ClinVar's aggregate classification.

Literature cited by the submitters: PubMed 20104584 (cited by Labcorp Genetics (formerly Invitae), Labcorp); PubMed 9333265 (cited by 4 submitters); PubMed 9699640 (cited by 4 submitters); PubMed 22722201 (cited by Labcorp Genetics (formerly Invitae), Labcorp and Quest Diagnostics Nichols Institute San Juan Capistrano); PubMed 16267036 (cited by Women's Health and Genetics/Laboratory Corporation of America, LabCorp and Quest Diagnostics Nichols Institute San Juan Capistrano); PubMed 16030099 (cited by 3 submitters); PubMed 22655046 (cited by Women's Health and Genetics/Laboratory Corporation of America, LabCorp); PubMed 25236687 (cited by 3 submitters); PubMed 30720863 (cited by Ambry Genetics and Quest Diagnostics Nichols Institute San Juan Capistrano); PubMed 29446198 (cited by Quest Diagnostics Nichols Institute San Juan Capistrano); PubMed 25371446 (cited by Quest Diagnostics Nichols Institute San Juan Capistrano); PubMed 22762150 (cited by Quest Diagnostics Nichols Institute San Juan Capistrano); PubMed 31454914 (cited by Quest Diagnostics Nichols Institute San Juan Capistrano); PubMed 34413315 (cited by Quest Diagnostics Nichols Institute San Juan Capistrano); PubMed 37310942 (cited by Quest Diagnostics Nichols Institute San Juan Capistrano); PubMed 26295337 (cited by Quest Diagnostics Nichols Institute San Juan Capistrano).

NM_007294.4(BRCA1):c.2806_2809del (p.Asp936fs)

Gene: BRCA1 (BRCA1 DNA repair associated; minus strand). Cytogenetic location: 17q21.31.
Variant type: Deletion.
Coding change: c.2806_2809del on transcript NM_007294.4 (MANE Select); coding-DNA positions 2806 to 2809, 4 bases deleted (GATA; older notation c.2806_2809delGATA).
Protein change: p.Asp936fs; shifts the reading frame from aspartic acid 936.
Molecular consequence: frameshift variant. On other transcripts: intron variant (137).
Genome position (GRCh38, 1-based): chr17:43,092,722-43,092,725, TATC deleted on the plus strand (GATA on the coding strand, the reverse complement: BRCA1 is on the minus strand); deleting any 4 consecutive bases within chr17:43,092,722-43,092,726 gives the same sequence; the c. name uses the placement nearest the transcript's 3' end. VCF-style (leftmost placement, unchanged base first): chr17-43092721-TTATC-T. GRCh37 (hg19) VCF-style: chr17-41244738-TTATC-T.
Other names: 2925del4; c.2806_2809delGATA (NM_007294.3); c.578-1693_578-1690del (NM_001408480.1, NM_001408492.1, NM_001408513.1 and 9 more transcripts); c.779-1693_779-1690del (NM_001408408.1); c.662-1693_662-1690del (NM_001408446.1, NM_001408435.1, NM_001408448.1 and 6 more transcripts); c.785-1693_785-1690del (NM_001408401.1, NM_001408396.1, NM_001407985.1 and 13 more transcripts); c.548-1693_548-1690del (NM_001408494.1); c.665-1693_665-1690del (NM_001408444.1, NM_001408438.1, NM_001408430.1 and 12 more transcripts); and 43 more; short protein forms D936fs, D889fs, D847fs, D866fs, D868fs, D808fs, D809fs, D825fs.
Identifiers: ClinVar variation 37491 (VCV000037491.33), dbSNP rs80357832, ClinGen allele CA001838.